The following is an entry in ClinVar:

NM_015450.3(POT1):c.1474T>C (p.Phe492Leu)

Gene: POT1 (protection of telomeres 1; minus strand). Cytogenetic location: 7q31.33.
Variant type: single nucleotide variant.
Coding change: c.1474T>C on transcript NM_015450.3 (MANE Select); coding-DNA position 1474, T replaced by C.
Protein change: p.Phe492Leu; replaces phenylalanine 492 with leucine.
Molecular consequence: missense variant. On other transcripts: non-coding transcript variant (3).
Genome position (GRCh38, 1-based): chr7:124,835,310, A>G on the plus strand (T>C on the coding strand, the complement: POT1 is on the minus strand). VCF-style: chr7-124835310-A-G. GRCh37 (hg19) VCF-style: chr7-124475364-A-G.
Other names: c.1081T>C, p.Phe361Leu (NM_001042594.2); short protein forms F361L, F492L.
Identifiers: ClinVar variation 3936306 (VCV003936306.1).

ClinVar aggregate classification (germline): Uncertain significance (1 of 4 stars; one submission).

Conditions:
Hereditary cancer-predisposing syndrome. Also called: Tumor predisposition; Hereditary neoplastic syndrome; Hereditary Cancer Syndrome; Neoplastic Syndromes, Hereditary. Identifiers: Orphanet 140162, MedGen C0027672, MeSH D009386, MONDO:0015356.

Submission:

Ambry Genetics
Classification: Uncertain significance for Hereditary cancer-predisposing syndrome. Last evaluated: 2025-06-01. Review status: criteria provided, single submitter. Criteria: Ambry Variant Classification Scheme 2023. Collection method: clinical testing. Allele origin: germline.
Comment: The p.F492L variant (also known as c.1474T>C), located in coding exon 11 of the POT1 gene, results from a T to C substitution at nucleotide position 1474. The phenylalanine at codon 492 is replaced by leucine, an amino acid with highly similar properties. This amino acid position is conserved. In addition, the in silico prediction for this alteration is inconclusive. Based on the available evidence, the clinical significance of this variant remains unclear.